The following is an entry in ClinVar:

NM_001122955.4(BSCL2):c.1102C>A (p.Gln368Lys)

Genes: HNRNPUL2-BSCL2 (HNRNPUL2-BSCL2 readthrough (NMD candidate); minus strand), BSCL2 (BSCL2 lipid droplet biogenesis associated, seipin; minus strand). Cytogenetic location: 11q12.3.
Variant type: single nucleotide variant.
Coding change: c.1102C>A on transcript NM_001122955.4 (MANE Select); coding-DNA position 1102, C replaced by A.
Protein change: p.Gln368Lys; replaces glutamine 368 with lysine.
Molecular consequence: missense variant. On other transcripts: non-coding transcript variant (1), synonymous variant (1).
Genome position (GRCh38, 1-based): chr11:62,690,838, G>T on the plus strand (C>A on the coding strand, the complement: BSCL2 is on the minus strand). VCF-style: chr11-62690838-G-T. GRCh37 (hg19) VCF-style: chr11-62458310-G-T.
Other names: c.1102C>A (NM_001122955.3); c.768C>A, p.Arg256= (NM_001130702.2); c.1108C>A, p.Gln370Lys (NM_001386027.1); c.1102C>A, p.Gln368Lys (NM_001386028.1); c.910C>A, p.Gln304Lys (NM_032667.6); short protein forms Q304K, Q368K, Q370K.
Identifiers: ClinVar variation 800271 (VCV000800271.17), dbSNP rs149990643, ClinGen allele CA6053326.
Genomic context (GRCh38, chr11:62,690,838, plus strand): 5'-GCGCCATACCTGTCCCTGAGGGATCTTCAGGGCTCTCACCATCCTCTGTAACATCTGATT[G>T]CGGAGTTGACTCCTCCTGGCCTTCAGGCCCTGCACCTCCAAAGAGGGAGAGGACAGGTTA-3'
Protein context (NP_001116427.1, residues 358-378): GPEGQEESTP[Gln368Lys]SDVTEDGESP

ClinVar aggregate classification (germline): Conflicting classifications of pathogenicity. Review status: criteria provided, conflicting classifications (1 of 4 stars). 4 submissions from 4 submitters: Uncertain significance (2); Likely benign (2). Last evaluated 2026-06-16.

Conditions:
Charcot-Marie-Tooth disease type 2. Also called: Charcot-Marie-Tooth type 2. Identifiers: Orphanet 64746, MedGen C0270914, MONDO:0018993.
BSCL2-related disorder. Also called: BSCL2-related condition; BSCL2-Related Disorders.
Inborn genetic diseases. Identifiers: MedGen C0950123, MeSH D030342.

Allele frequency attached by ClinVar (database versions not stated): gnomAD exomes 0.00004 and 0.00009; ExAC 0.00007; ESP Exome Variant Server 0.00015; TOPMed 0.00037; gnomAD 0.00038 and 0.00040; 1000 Genomes Project 0.00040; 1000 Genomes Project 30x 0.00047.
gnomAD v4.1: 116 of 1,613,656 alleles (0.0072%); highest among the groups gnomAD compares: African/African-American, 0.13%; no homozygotes.

Submissions (4):

PreventionGenetics, part of Exact Sciences
Classification: Uncertain significance for BSCL2-related condition. Last evaluated: 2026-06-16. Review status: criteria provided, single submitter. Criteria: ACMG Guidelines, 2015. Collection method: clinical testing. Allele origin: germline.
Comment: The BSCL2 c.1102C>A variant is predicted to result in the amino acid substitution p.Gln368Lys. To our knowledge, this variant has not been reported in the literature. This variant is reported in 0.11% of alleles in individuals of African descent in gnomAD. Although we suspect that this variant may be benign, at this time, the clinical significance of this variant is uncertain due to the absence of conclusive functional and genetic evidence.

Labcorp Genetics (formerly Invitae), Labcorp
Classification: Likely benign for Charcot-Marie-Tooth disease type 2. Last evaluated: 2025-12-09. Review status: criteria provided, single submitter. Criteria: Invitae Variant Classification Sherloc (09022015). Collection method: clinical testing. Allele origin: germline.

GeneDx
Classification: Uncertain significance. Last evaluated: 2024-01-29. Review status: criteria provided, single submitter. Criteria: GeneDx Variant Classification Process June 2021. Collection method: clinical testing. Allele origin: germline. Affected: yes.
Comment: In silico analysis, which includes protein predictors and evolutionary conservation, supports that this variant does not alter protein structure/function; Has not been previously published as pathogenic or benign to our knowledge

Ambry Genetics
Classification: Likely benign for Inborn genetic diseases. Last evaluated: 2022-12-02. Review status: criteria provided, single submitter. Criteria: Ambry Variant Classification Scheme 2023. Collection method: clinical testing. Allele origin: germline.